The following is an entry in ClinVar:

NM_000535.7(PMS2):c.2268T>C (p.Asp756=)

Gene: PMS2 (PMS1 homolog 2, mismatch repair system component; minus strand). Cytogenetic location: 7p22.1.
Variant type: single nucleotide variant.
Coding change: c.2268T>C on transcript NM_000535.7 (MANE Select); coding-DNA position 2268, T replaced by C.
Protein change: p.Asp756=; no amino-acid change (aspartic acid 756 retained).
Molecular consequence: synonymous variant. On other transcripts: non-coding transcript variant (1), intron variant (2).
Genome position (GRCh38, 1-based): chr7:5,978,603, A>G on the plus strand (T>C on the coding strand, the complement: PMS2 is on the minus strand). VCF-style: chr7-5978603-A-G. GRCh37 (hg19) VCF-style: chr7-6018234-A-G.
Other names: c.1863T>C, p.Asp621= (NM_001322003.2, NM_001322004.2, NM_001322005.2 and 14 more transcripts); c.2112T>C, p.Asp704= (NM_001322006.2, NM_001406870.1); c.1950T>C, p.Asp650= (NM_001322007.2, NM_001322008.2, NM_001406876.1 and 1 more transcripts); c.1707T>C, p.Asp569= (NM_001322010.2, NM_001406906.1, NM_001406907.1); c.1335T>C, p.Asp445= (NM_001322011.2, NM_001322012.2); c.1695T>C, p.Asp565= (NM_001322013.2, NM_001406908.1, NM_001406909.1); c.2268T>C, p.Asp756= (NM_001322014.2); c.1959T>C, p.Asp653= (NM_001322015.2, NM_001406875.1, NM_001406877.1 and 5 more transcripts); and 16 more.
Identifiers: ClinVar variation 3421432 (VCV003421432.2).

ClinVar aggregate classification (germline): Benign/Likely benign. Review status: criteria provided, multiple submitters, no conflicts (2 of 4 stars). 2 submissions from 2 submitters: Benign (1); Likely benign (1). Last evaluated 2025-02-03.

Conditions:
Hereditary cancer-predisposing syndrome. Also called: Neoplastic Syndromes, Hereditary; Tumor predisposition; Hereditary Cancer Syndrome; Hereditary neoplastic syndrome. Identifiers: Orphanet 140162, MedGen C0027672, MeSH D009386, MONDO:0015356.
Lynch syndrome 4 (LYNCH4). Also called: Colorectal cancer, hereditary nonpolyposis, type 4; Hereditary non-polyposis colorectal cancer, type 4. Identifiers: Orphanet 144, MedGen C1838333, MONDO:0013699, OMIM 614337. Disease mechanism: loss of function.

gnomAD v4.1: 1 of 1,602,128 alleles (0.000062%); highest among the groups gnomAD compares: Non-Finnish European, 0.000085%; no homozygotes.

Submissions (2):

Myriad Genetics, Inc.
Classification: Benign for Lynch syndrome 4. Last evaluated: 2025-02-03. Review status: criteria provided, single submitter. Criteria: Myriad Autosomal Dominant, Autosomal Recessive and X-Linked Classification Criteria (2023). Collection method: clinical testing. Allele origin: unknown.
Comment: This variant is considered benign. This variant is a silent/synonymous amino acid change and it is not expected to impact splicing.

Ambry Genetics
Classification: Likely benign for Hereditary cancer-predisposing syndrome. Last evaluated: 2024-09-05. Review status: criteria provided, single submitter. Criteria: Ambry Variant Classification Scheme 2023. Collection method: clinical testing. Allele origin: germline.